The following is an entry in ClinVar:

NM_030962.4(SBF2):c.3067C>G (p.Gln1023Glu)

Genes: SBF2 (SET binding factor 2; minus strand), LOC101928008 (uncharacterized LOC101928008; plus strand). Cytogenetic location: 11p15.4.
Variant type: single nucleotide variant.
Coding change: c.3067C>G on transcript NM_030962.4 (MANE Select); coding-DNA position 3067, C replaced by G.
Protein change: p.Gln1023Glu; replaces glutamine 1023 with glutamic acid.
Molecular consequence: missense variant.
Genome position (GRCh38, 1-based): chr11:9,845,608, G>C on the plus strand (C>G on the coding strand, the complement: SBF2 is on the minus strand). VCF-style: chr11-9845608-G-C. GRCh37 (hg19) VCF-style: chr11-9867155-G-C.
Other names: c.3067C>G, p.Gln1023Glu (NM_001386339.1); c.2938C>G, p.Gln980Glu (NM_001386342.1); short protein forms Q1023E, Q980E.
Identifiers: ClinVar variation 246531 (VCV000246531.6), dbSNP rs763977351, ClinGen allele CA5881387.

ClinVar aggregate classification (germline): Uncertain significance. Review status: criteria provided, multiple submitters, no conflicts (2 of 4 stars). 3 submissions from 3 submitters: Uncertain significance (3). Last evaluated 2022-06-28.

Conditions:
Inborn genetic diseases. Identifiers: MedGen C0950123, MeSH D030342.

Allele frequency attached by ClinVar (database versions not stated): TOPMed 0.00001; gnomAD exomes 0.00002; ExAC 0.00004.
gnomAD v4.1: 6 of 1,613,926 alleles (0.00037%); highest among the groups gnomAD compares: African/African-American, 0.0013%; no homozygotes.

Submissions (3):

Ambry Genetics
Classification: Uncertain significance for Inborn genetic diseases. Last evaluated: 2022-06-28. Review status: criteria provided, single submitter. Criteria: Ambry Variant Classification Scheme 2023. Collection method: clinical testing. Allele origin: germline.

Clinical Genetics Laboratory, Skane University Hospital Lund
Classification: Uncertain significance. Last evaluated: 2022-05-27. Review status: criteria provided, single submitter. Criteria: ACMG Guidelines, 2015. Collection method: clinical testing. Allele origin: germline. Affected: yes.

GeneDx
Classification: Uncertain significance. Last evaluated: 2016-04-07. Review status: criteria provided, single submitter. Criteria: GeneDx Variant Classification (06012015). Collection method: clinical testing. Allele origin: germline. Affected: yes.
Comment: The Q1023E variant has not been published as a pathogenic variant, nor has it been reported as a benign variant to our knowledge. It was not observed in approximately 6,500 individuals of European and African American ancestry in the NHLBI Exome Sequencing Project, indicating it is not a common benign variant in these populations. The Q1023E variant is a semi-conservative amino acid substitution, which may impact secondary protein structure as these residues differ in some properties. This substitution occurs at a position that is conserved in mammals; however, Glutamic acid is observed at this position in evolution. In silico analysis is inconsistent in its predictions as to whether or not the variant is damaging to the protein structure/function. Therefore, based on the currently available information, it is unclear whether this variant is a pathogenic variant or a rare benign variant.